The following is an entry in ClinVar:

NM_002085.5(GPX4):c.302C>G (p.Pro101Arg)

Gene: GPX4 (glutathione peroxidase 4; plus strand). Cytogenetic location: 19p13.3.
Variant type: single nucleotide variant.
Coding change: c.302C>G on transcript NM_002085.5 (MANE Select); coding-DNA position 302, C replaced by G.
Protein change: p.Pro101Arg; replaces proline 101 with arginine.
Molecular consequence: missense variant.
Genome position (GRCh38, 1-based): chr19:1,105,488, C>G. VCF-style: chr19-1105488-C-G. GRCh37 (hg19) VCF-style: chr19-1105487-C-G.
Other names: c.302C>G, p.Pro101Arg (NM_001039847.3); c.413C>G, p.Pro138Arg (NM_001039848.4); c.221C>G, p.Pro74Arg (NM_001367832.1); short protein forms P101R, P138R, P74R.
Identifiers: ClinVar variation 1427390 (VCV001427390.2), dbSNP rs367564504, ClinGen allele CA9037270.
Genomic context (GRCh38, chr19:1,105,488, plus strand): 5'-CTCAGCTCGTCGACCTGCACGCCCGATACGCTGAGTGTGGTTTGCGGATCCTGGCCTTCC[C>G]GTGTAACCAGTTCGGGAAGCAGGTGGGCTGCTGCGTCCCCGGGGCCCGCAGAGGCGGGTG-3'
Protein context (NP_002076.2, residues 91-111): AECGLRILAF[Pro101Arg]CNQFGKQEPG

ClinVar aggregate classification (germline): Uncertain significance (1 of 4 stars; one submission).

Allele frequency attached by ClinVar (database versions not stated): gnomAD exomes 0.00003 and 0.00007; ExAC 0.00005; TOPMed 0.00005; gnomAD 0.00006 and 0.00007; 1000 Genomes Project 30x 0.00016; ESP Exome Variant Server 0.00016; 1000 Genomes Project 0.00020.

Submission:

Labcorp Genetics (formerly Invitae), Labcorp
Classification: Uncertain significance. Last evaluated: 2024-10-30. Review status: criteria provided, single submitter. Criteria: Invitae Variant Classification Sherloc (09022015). Collection method: clinical testing. Allele origin: germline.
Comment: This sequence change replaces proline, which is neutral and non-polar, with arginine, which is basic and polar, at codon 138 of the GPX4 protein (p.Pro138Arg). This variant is present in population databases (rs367564504, gnomAD 0.006%). This missense change has been observed in individual(s) with spondylometaphyseal dysplasia, Sedaghatian type (PMID: 34688299). In at least one individual the data is consistent with being in trans (on the opposite chromosome) from a pathogenic variant. ClinVar contains an entry for this variant (Variation ID: 1427390). Experimental studies and prediction algorithms are not available or were not evaluated, and the functional significance of this variant is currently unknown. In summary, the available evidence is currently insufficient to determine the role of this variant in disease. Therefore, it has been classified as a Variant of Uncertain Significance.

Literature cited by the submitters: PubMed 34688299.